The following is an entry in ClinVar:

NM_017802.4(DNAAF5):c.938G>T (p.Gly313Val)

Gene: DNAAF5 (dynein axonemal assembly factor 5; plus strand). Cytogenetic location: 7p22.3.
Variant type: single nucleotide variant.
Coding change: c.938G>T on transcript NM_017802.4 (MANE Select); coding-DNA position 938, G replaced by T.
Protein change: p.Gly313Val; replaces glycine 313 with valine.
Molecular consequence: missense variant. On other transcripts: non-coding transcript variant (1).
Genome position (GRCh38, 1-based): chr7:741,379, G>T. VCF-style: chr7-741379-G-T. GRCh37 (hg19) VCF-style: chr7-781016-G-T.
Other names: short protein forms G313V.
Identifiers: ClinVar variation 2750320 (VCV002750320.3), dbSNP rs2484058959, ClinGen allele CA366534442.

ClinVar aggregate classification (germline): Uncertain significance (1 of 4 stars; one submission).

Conditions:
Primary ciliary dyskinesia. Also called: Ciliary dyskinesia. Identifiers: Orphanet 244, MedGen C0008780, MONDO:0016575, HP:0012265.

Submission:

Labcorp Genetics (formerly Invitae), Labcorp
Classification: Uncertain significance for Primary ciliary dyskinesia. Last evaluated: 2023-07-22. Review status: criteria provided, single submitter. Criteria: Invitae Variant Classification Sherloc (09022015). Collection method: clinical testing. Allele origin: germline.
Comment: In summary, the available evidence is currently insufficient to determine the role of this variant in disease. Therefore, it has been classified as a Variant of Uncertain Significance. This variant has not been reported in the literature in individuals affected with DNAAF5-related conditions. Advanced modeling of protein sequence and biophysical properties (such as structural, functional, and spatial information, amino acid conservation, physicochemical variation, residue mobility, and thermodynamic stability) performed at Invitae indicates that this missense variant is expected to disrupt DNAAF5 protein function. This variant is not present in population databases (gnomAD no frequency). This sequence change replaces glycine, which is neutral and non-polar, with valine, which is neutral and non-polar, at codon 313 of the DNAAF5 protein (p.Gly313Val).